The following is an entry in ClinVar:

NM_000038.6(APC):c.8138T>G (p.Met2713Arg)

Gene: APC (APC regulator of Wnt signaling pathway; plus strand). Cytogenetic location: 5q22.2.
Variant type: single nucleotide variant.
Coding change: c.8138T>G on transcript NM_000038.6 (MANE Select); coding-DNA position 8138, T replaced by G.
Protein change: p.Met2713Arg; replaces methionine 2713 with arginine.
Molecular consequence: missense variant.
Genome position (GRCh38, 1-based): chr5:112,843,732, T>G. VCF-style: chr5-112843732-T-G. GRCh37 (hg19) VCF-style: chr5-112179429-T-G.
Other names: c.8138T>G, p.Met2713Arg (NM_001127510.3, NM_001354895.2); c.8084T>G, p.Met2695Arg (NM_001127511.3); c.8192T>G, p.Met2731Arg (NM_001354896.2); c.8168T>G, p.Met2723Arg (NM_001354897.2); c.8063T>G, p.Met2688Arg (NM_001354898.2); c.8054T>G, p.Met2685Arg (NM_001354899.2); c.8015T>G, p.Met2672Arg (NM_001354900.2); c.7961T>G, p.Met2654Arg (NM_001354901.2); and 5 more; short protein forms M2430R, M2553R, M2685R, M2695R, M2612R, M2622R, M2672R, M2723R.
Identifiers: ClinVar variation 934269 (VCV000934269.11), dbSNP rs1479889029, ClinGen allele CA16039006.

ClinVar aggregate classification (germline): Uncertain significance (1 of 4 stars; one submission).

Conditions:
Familial adenomatous polyposis 1 (FAP1). Also called: POLYPOSIS, ADENOMATOUS INTESTINAL; FAMILIAL ADENOMATOUS POLYPOSIS 1, ATTENUATED. Identifiers: MedGen C2713442, MONDO:0021056, OMIM 175100. Disease mechanism: loss of function.

Submission:

Labcorp Genetics (formerly Invitae), Labcorp
Classification: Uncertain significance for Familial adenomatous polyposis 1. Last evaluated: 2025-08-25. Review status: criteria provided, single submitter. Criteria: Invitae Variant Classification Sherloc (09022015). Collection method: clinical testing. Allele origin: germline.
Comment: This sequence change replaces methionine, which is neutral and non-polar, with arginine, which is basic and polar, at codon 2713 of the APC protein (p.Met2713Arg). This variant is not present in population databases (gnomAD no frequency). This variant has not been reported in the literature in individuals affected with APC-related conditions. ClinVar contains an entry for this variant (Variation ID: 934269). Invitae Evidence Modeling of protein sequence and biophysical properties (such as structural, functional, and spatial information, amino acid conservation, physicochemical variation, residue mobility, and thermodynamic stability) indicates that this missense variant is not expected to disrupt APC protein function with a negative predictive value of 95%. In summary, the available evidence is currently insufficient to determine the role of this variant in disease. Therefore, it has been classified as a Variant of Uncertain Significance.